The following is an entry in ClinVar:

NM_019844.4(SLCO1B3):c.789T>G (p.Leu263=)

Genes: SLCO1B3 (solute carrier organic anion transporter family member 1B3; plus strand), SLCO1B3-SLCO1B7 (SLCO1B3-SLCO1B7 readthrough; plus strand). Cytogenetic location: 12p12.2.
Variant type: single nucleotide variant.
Coding change: c.789T>G on transcript NM_019844.4 (MANE Select); coding-DNA position 789, T replaced by G.
Protein change: p.Leu263=; no amino-acid change (leucine 263 retained).
Molecular consequence: synonymous variant.
Genome position (GRCh38, 1-based): chr12:20,875,296, T>G. VCF-style: chr12-20875296-T-G. GRCh37 (hg19) VCF-style: chr12-21028230-T-G.
Other names: c.789T>G, p.Leu263= (NM_001371097.1); c.705T>G, p.Leu235= (NM_001349920.2).
Identifiers: ClinVar variation 4995873 (VCV004995873.1).

ClinVar aggregate classification (germline): Likely benign (1 of 4 stars; one submission).

Conditions:
SLCO1B3-related disorder. Also called: SLCO1B3-related condition.

gnomAD v4.1: 1 of 1,613,518 alleles (0.000062%); highest among the groups gnomAD compares: Non-Finnish European, 0.000085%; no homozygotes.

Submission:

PreventionGenetics, part of Exact Sciences
Classification: Likely benign for SLCO1B3-related condition. Last evaluated: 2025-11-18. Review status: criteria provided, single submitter. Criteria: ACMG Guidelines, 2015. Collection method: clinical testing. Allele origin: germline.
Comment: This variant is classified as likely benign based on ACMG/AMP sequence variant interpretation guidelines (Richards et al. 2015 PMID: 25741868, with internal and published modifications).